The following is an entry in ClinVar:

ClinVar aggregate classification (germline): Uncertain significance (1 of 4 stars; one submission).

Conditions:
Dilated cardiomyopathy 1G (CMD1G). Identifiers: Orphanet 154, MedGen C1858763, MONDO:0011400, OMIM 604145.
Autosomal recessive limb-girdle muscular dystrophy type 2J (LGMDR10). Also called: Limb-girdle muscular dystrophy, type 2J; MUSCULAR DYSTROPHY, LIMB-GIRDLE, AUTOSOMAL RECESSIVE 10. Identifiers: Orphanet 140922, MedGen C1837342, MONDO:0012127, OMIM 608807.

gnomAD v4.1: 2 of 1,613,974 alleles (0.00012%); highest among the groups gnomAD compares: Non-Finnish European, 0.00017%; no homozygotes.

Submission:

Labcorp Genetics (formerly Invitae), Labcorp
Classification: Uncertain significance for Dilated cardiomyopathy 1G; Autosomal recessive limb-girdle muscular dystrophy type 2J. Last evaluated: 2018-03-01. Review status: criteria provided, single submitter. Criteria: Invitae Variant Classification Sherloc (09022015). Collection method: clinical testing. Allele origin: germline.
Comment: This sequence change replaces glutamic acid with lysine at codon 34721 of the TTN protein (p.Glu34721Lys). There is a small physicochemical difference between glutamic acid and lysine. This variant is not present in population databases (ExAC no frequency). This variant has not been reported in the literature in individuals with TTN-related disease. In summary, this variant is a novel missense change with unknown impact on protein function. Missense variants in this region of the TTN gene are typically not causative for cardiac disease, but may be relevant for neuromuscular disorders. However, the available evidence is currently insufficient to determine this variant’s role in disease. Therefore, it has been classified as a Variant of Uncertain Significance. Algorithms developed to predict the effect of missense changes on protein structure and function are unavailable for the TTN gene. This variant identified in the TTN gene is located in the M band of the resulting protein (PMID: 25589632). It is unclear how this variant impacts the function of this protein.

Literature cited by the submitters: PubMed 25589632.

NM_001267550.2(TTN):c.104161G>A (p.Glu34721Lys)

Genes: TTN (titin; minus strand), TTN-AS1 (TTN antisense RNA 1; plus strand). Cytogenetic location: 2q31.2.
Variant type: single nucleotide variant.
Coding change: c.104161G>A on transcript NM_001267550.2 (MANE Select); coding-DNA position 104161, G replaced by A.
Protein change: p.Glu34721Lys; replaces glutamic acid 34721 with lysine.
Molecular consequence: missense variant.
Genome position (GRCh38, 1-based): chr2:178,532,454, C>T on the plus strand (G>A on the coding strand, the complement: TTN is on the minus strand). VCF-style: chr2-178532454-C-T. GRCh37 (hg19) VCF-style: chr2-179397181-C-T.
Other names: c.99238G>A, p.Glu33080Lys (NM_001256850.1); c.76966G>A, p.Glu25656Lys (NM_003319.4); c.96457G>A, p.Glu32153Lys (NM_133378.4); c.77341G>A, p.Glu25781Lys (NM_133432.3); c.77542G>A, p.Glu25848Lys (NM_133437.4); short protein forms E25656K, E25781K, E25848K, E32153K, E33080K, E34721K.
Identifiers: ClinVar variation 1007563 (VCV001007563.7), dbSNP rs1689557329, ClinGen allele CA349412342.
Genomic context (GRCh38, chr2:178,532,454, plus strand): 5'-TACTAGCTTCAGCCTTCGTTGGGATGTGATAGGTTGAATACCTGAAGTCTTTTCTTGTTT[C>T]CTCCACCTTGACATGAGCTTGTGGTGAAGAGTAACGTAGGCTAGAAAGCTCAAAGTGTGG-3'
Protein context (NP_001254479.2, residues 34711-34731): SSPQAHVKVE[Glu34721Lys]TRKDFRYSTY